The following is an entry in ClinVar:

ClinVar aggregate classification (germline): Uncertain significance (1 of 4 stars; one submission).

Conditions:
Charcot-Marie-Tooth disease type 2. Also called: Charcot-Marie-Tooth type 2. Identifiers: Orphanet 64746, MedGen C0270914, MONDO:0018993.

gnomAD v4.1: 2 of 1,614,036 alleles (0.00012%); highest among the groups gnomAD compares: African/African-American, 0.0027%; no homozygotes.

Submission:

Labcorp Genetics (formerly Invitae), Labcorp
Classification: Uncertain significance for Charcot-Marie-Tooth disease type 2. Last evaluated: 2024-09-14. Review status: criteria provided, single submitter. Criteria: Invitae Variant Classification Sherloc (09022015). Collection method: clinical testing. Allele origin: germline.
Comment: This sequence change replaces arginine, which is basic and polar, with leucine, which is neutral and non-polar, at codon 265 of the BSCL2 protein (p.Arg265Leu). The frequency data for this variant in the population databases is considered unreliable, as metrics indicate poor data quality at this position in the gnomAD database. This variant has not been reported in the literature in individuals affected with BSCL2-related conditions. Invitae Evidence Modeling of protein sequence and biophysical properties (such as structural, functional, and spatial information, amino acid conservation, physicochemical variation, residue mobility, and thermodynamic stability) indicates that this missense variant is not expected to disrupt BSCL2 protein function with a negative predictive value of 80%. In summary, the available evidence is currently insufficient to determine the role of this variant in disease. Therefore, it has been classified as a Variant of Uncertain Significance.

NM_001122955.4(BSCL2):c.986G>T (p.Arg329Leu)

Genes: BSCL2 (BSCL2 lipid droplet biogenesis associated, seipin; minus strand), HNRNPUL2-BSCL2 (HNRNPUL2-BSCL2 readthrough (NMD candidate); minus strand). Cytogenetic location: 11q12.3.
Variant type: single nucleotide variant.
Coding change: c.986G>T on transcript NM_001122955.4 (MANE Select); coding-DNA position 986, G replaced by T.
Protein change: p.Arg329Leu; replaces arginine 329 with leucine.
Molecular consequence: missense variant. On other transcripts: non-coding transcript variant (1), intron variant (1).
Genome position (GRCh38, 1-based): chr11:62,691,299, C>A on the plus strand (G>T on the coding strand, the complement: BSCL2 is on the minus strand). VCF-style: chr11-62691299-C-A. GRCh37 (hg19) VCF-style: chr11-62458771-C-A.
Other names: c.986G>T, p.Arg329Leu (NM_001386027.1, NM_001386028.1); c.794G>T, p.Arg265Leu (NM_032667.6); c.672-158G>T (NM_001130702.2); short protein forms R329L, R265L.
Identifiers: ClinVar variation 3714364 (VCV003714364.2).